The following is an entry in ClinVar:

ClinVar aggregate classification (germline): Pathogenic (1 of 4 stars; one submission).

Conditions:
Primary ciliary dyskinesia 3. Identifiers: Orphanet 244, MedGen C1837618, MONDO:0012085, OMIM 608644.

Submission:

Myriad Genetics, Inc.
Classification: Pathogenic for Primary ciliary dyskinesia 3. Last evaluated: 2024-05-07. Review status: criteria provided, single submitter. Criteria: Myriad Autosomal Dominant, Autosomal Recessive and X-Linked Classification Criteria (2023). Collection method: clinical testing. Allele origin: unknown.
Comment: NM_001369.2(DNAH5):c.6518delC(P2173Qfs*16) is expected to be pathogenic in the context of primary ciliary dyskinesia, DNAH5-related. This variant is predicted to lead to an abnormal or absent protein product due to the creation of a premature termination codon in DNAH5, a gene where loss-of-function variants are known to be pathogenic. Please note: this variant was assessed in the context of healthy population screening.

NM_001369.3(DNAH5):c.6518del (p.Pro2173fs)

Gene: DNAH5 (dynein axonemal heavy chain 5; minus strand). Cytogenetic location: 5p15.2.
Variant type: Deletion.
Coding change: c.6518del on transcript NM_001369.3 (MANE Select); coding-DNA position 6518, one base deleted (C; older notation c.6518delC).
Protein change: p.Pro2173fs; shifts the reading frame from proline 2173.
Molecular consequence: frameshift variant.
Genome position (GRCh38, 1-based): chr5:13,824,260, G deleted on the plus strand (C on the coding strand, the reverse complement: DNAH5 is on the minus strand); the first of 2 consecutive G bases (chr5:13,824,260-13,824,261); deleting either gives the same sequence. VCF-style (leftmost placement, unchanged base first): chr5-13824259-TG-T. GRCh37 (hg19) VCF-style: chr5-13824368-TG-T.
Other names: short protein forms P2173fs.
Identifiers: ClinVar variation 5013013 (VCV005013013.1).
Genomic context (GRCh38, chr5:13,824,259, plus strand): 5'-CAGTTTAGAAAGATTCATGTCCCGTAGTACACGCATGACAATCGTGGACTCCGTATCCAT[TG>T]GATTGGCTCTTTTTGCTGCTCCCAAGGTCCGAAGAACTGACAGAATGTTACGCAGGCCAA-3'